The following is an entry in ClinVar:

ClinVar aggregate classification (germline): Conflicting classifications of pathogenicity. Review status: criteria provided, conflicting classifications (1 of 4 stars). 9 submissions from 9 submitters: Uncertain significance (3); Benign (1); Likely benign (5). Last evaluated 2026-01-16.

Conditions:
Hereditary nonpolyposis colorectal neoplasms. Identifiers: MedGen C0009405, MeSH D003123.
Lynch syndrome 5 (LYNCH5). Also called: Colorectal cancer, hereditary nonpolyposis, type 5; Hereditary non-polyposis colorectal cancer, type 5. Identifiers: Orphanet 144, MedGen C1833477, MONDO:0013710, OMIM 614350. Disease mechanism: loss of function.
Hereditary cancer-predisposing syndrome. Also called: Tumor predisposition; Neoplastic Syndromes, Hereditary; Hereditary neoplastic syndrome; Hereditary Cancer Syndrome. Identifiers: Orphanet 140162, MedGen C0027672, MeSH D009386, MONDO:0015356.
Lynch syndrome. Identifiers: Orphanet 144, MedGen C4552100, MONDO:0005835. Disease mechanism: loss of function.

Allele frequency attached by ClinVar (database versions not stated): ExAC 0.00001; gnomAD 0.00001; gnomAD exomes 0.00001 and 0.00003; TOPMed 0.00001.

Submissions (9):

Labcorp Genetics (formerly Invitae), Labcorp
Classification: Likely benign for Hereditary nonpolyposis colorectal neoplasms. Last evaluated: 2026-01-16. Review status: criteria provided, single submitter. Criteria: Invitae Variant Classification Sherloc (09022015). Collection method: clinical testing. Allele origin: germline.

GeneDx
Classification: Uncertain significance. Last evaluated: 2025-07-16. Review status: criteria provided, single submitter. Criteria: GeneDx Variant Classification Process June 2021. Collection method: clinical testing. Allele origin: germline. Affected: yes.
Comment: In silico analysis suggests that this variant does not alter splicing; Has not been previously published as pathogenic or benign to our knowledge

Myriad Genetics, Inc.
Classification: Benign for Lynch syndrome 5. Last evaluated: 2024-12-23. Review status: criteria provided, single submitter. Criteria: Myriad Autosomal Dominant, Autosomal Recessive and X-Linked Classification Criteria (2023). Collection method: clinical testing. Allele origin: unknown.
Comment: This variant is considered benign. This variant is a silent/synonymous amino acid change and it is not expected to impact splicing.

All of Us Research Program, National Institutes of Health
Classification: Likely benign for Lynch syndrome. Last evaluated: 2024-03-24. Review status: criteria provided, single submitter. Criteria: ACMG Guidelines, 2015. Collection method: clinical testing. Allele origin: germline. Inheritance: Autosomal dominant inheritance. Observed: 3 variant alleles, 3 heterozygotes.
Comment: This study involves interpretation of variants in research participants for the purpose of population health screening. Participant phenotype was not available at the time of variant classification. Additional details can be found in publication PMID: 35346344, PMCID: PMC8962531

Quest Diagnostics Nichols Institute San Juan Capistrano
Classification: Uncertain significance. Last evaluated: 2023-06-23. Review status: criteria provided, single submitter. Criteria: Quest Diagnostics criteria. Collection method: clinical testing. Allele origin: unknown.
Comment: To the best of our knowledge, the variant has not been reported in the published literature. The frequency of this variant in the general population, 0.0002 (7/34574 chromosomes), is uninformative in assessment of its pathogenicity. Analysis of this variant using software algorithms for the prediction of the effect of nucleotide changes on splicing yielded predictions that this variant does not affect MSH6 mRNA splicing . Based on the available information, we are unable to determine the clinical significance of this variant.

Sema4
Classification: Uncertain significance for Hereditary cancer-predisposing syndrome. Last evaluated: 2021-07-17. Review status: criteria provided, single submitter. Criteria: Sema4 Curation Guidelines. Collection method: curation. Allele origin: germline.
Comment: The MSH6 c.1132A>C (p.R378=) variant has not been reported in the literature to our knowledge. It was observed in 7/34574 chromosomes in the Latino subpopulation in the large and broad cohorts of the Genome Aggregation Database (PMID: 32461654). The variant has been reported in ClinVar (Variation ID: 416145). In silico tools suggest the nucleotide is conserved and impact of the variant on splicing is benign, though these predictions have not been confirmed by functional studies. The evidence is insufficient to meet ACMG/AMP criteria for classifying the variant as benign or pathogenic. Thus, the clinical significance of this variant is currently uncertain.

Women's Health and Genetics/Laboratory Corporation of America, LabCorp
Classification: Likely benign. Last evaluated: 2021-01-29. Review status: criteria provided, single submitter. Criteria: LabCorp Variant Classification Summary - May 2015. Collection method: clinical testing. Allele origin: germline.

Color Diagnostics, LLC DBA Color Health
Classification: Likely benign for Hereditary cancer-predisposing syndrome. Last evaluated: 2016-12-19. Review status: criteria provided, single submitter. Criteria: ACMG Guidelines, 2015. Collection method: clinical testing. Allele origin: germline.

Ambry Genetics
Classification: Likely benign for Hereditary cancer-predisposing syndrome. Last evaluated: 2016-01-19. Review status: criteria provided, single submitter. Criteria: Ambry Variant Classification Scheme 2023. Collection method: clinical testing. Allele origin: germline.

NM_000179.3(MSH6):c.1132A>C (p.Arg378=)

Gene: MSH6 (mutS homolog 6; plus strand). Cytogenetic location: 2p16.3.
Variant type: single nucleotide variant.
Coding change: c.1132A>C on transcript NM_000179.3 (MANE Select); coding-DNA position 1132, A replaced by C.
Protein change: p.Arg378=; no amino-acid change (arginine 378 retained).
Molecular consequence: synonymous variant.
Genome position (GRCh38, 1-based): chr2:47,799,115, A>C. VCF-style: chr2-47799115-A-C. GRCh37 (hg19) VCF-style: chr2-48026254-A-C.
Other names: c.742A>C, p.Arg248= (NM_001281492.2); c.226A>C, p.Arg76= (NM_001281493.2, NM_001281494.2).
Identifiers: ClinVar variation 416145 (VCV000416145.31), dbSNP rs781572949, ClinGen allele CA067192.